The following is an entry in ClinVar:

NM_005726.6(TSFM):c.601C>T (p.Arg201Ter)

Gene: TSFM (Ts translation elongation factor, mitochondrial; plus strand). Cytogenetic location: 12q14.1.
Variant type: single nucleotide variant.
Coding change: c.601C>T on transcript NM_005726.6 (MANE Select); coding-DNA position 601, C replaced by T.
Protein change: p.Arg201Ter; replaces arginine 201 with a stop codon.
Molecular consequence: nonsense. On other transcripts: 3 prime UTR variant (1), intron variant (1).
Genome position (GRCh38, 1-based): chr12:57,796,206, C>T. VCF-style: chr12-57796206-C-T. GRCh37 (hg19) VCF-style: chr12-58189989-C-T.
Other names: c.*9C>T (NM_001172695.2); c.664C>T, p.Arg222Ter (NM_001172696.2); c.571+3133C>T (NM_001172697.2); short protein forms R201*, R222*.
Identifiers: ClinVar variation 1033357 (VCV001033357.11), dbSNP rs768320625, ClinGen allele CA6659417.
Genomic context (GRCh38, chr12:57,796,206, plus strand): 5'-GTGTGTTGGTTTTTTGTTTTTGCTTTAATAGGAAAACTGGGAGAAAACATGATTCTTAAA[C>T]GAGCTGCATGGGTGAAGGTGCCATCTGGGTTCTACGTTGGCTCTTATGTCCACGGAGCAA-3'

ClinVar aggregate classification (germline): Pathogenic/Likely pathogenic. Review status: criteria provided, multiple submitters, no conflicts (2 of 4 stars). 4 submissions from 4 submitters: Pathogenic (1); Likely pathogenic (3). Last evaluated 2026-02-04.

Conditions:
Fatal mitochondrial disease due to combined oxidative phosphorylation defect type 3. Also called: Combined oxidative phosphorylation deficiency 3; ENCEPHALOMYOPATHY, RESPIRATORY FAILURE, AND LACTIC ACIDOSIS. Identifiers: Orphanet 168566, MedGen C1864840, MONDO:0012512, OMIM 610505.

Allele frequency attached by ClinVar (database versions not stated): ExAC 0.00001; gnomAD 0.00001; TOPMed 0.00002.
gnomAD v4.1: 11 of 1,582,052 alleles (0.0007%); highest among the groups gnomAD compares: Admixed American, 0.0019%; no homozygotes.

Submissions (4):

Labcorp Genetics (formerly Invitae), Labcorp
Classification: Pathogenic. Last evaluated: 2026-02-04. Review status: criteria provided, single submitter. Criteria: Invitae Variant Classification Sherloc (09022015). Collection method: clinical testing. Allele origin: germline.
Comment: This sequence change creates a premature translational stop signal (p.Arg222*) in the TSFM gene. While this is not anticipated to result in nonsense mediated decay, it is expected to disrupt the last 125 amino acid(s) of the TSFM protein. This variant is present in population databases (rs768320625, gnomAD 0.007%). This variant has not been reported in the literature in individuals affected with TSFM-related conditions. ClinVar contains an entry for this variant (Variation ID: 1033357). This variant disrupts a region of the TSFM protein in which other variant(s) (p.Gln324Argfs*11) have been determined to be pathogenic (internal data). This suggests that this is a clinically significant region of the protein, and that variants that disrupt it are likely to be disease-causing. For these reasons, this variant has been classified as Pathogenic.

Natera, Inc.
Classification: Likely pathogenic for Combined oxidative phosphorylation deficiency 3. Last evaluated: 2025-05-26. Review status: criteria provided, single submitter. Criteria: Natera Variant Classification Schema (03/2026). Collection method: clinical testing. Allele origin: germline.
Comment: The c.664C>T variant in TSFM is a nonsense variant predicted to introduce a stop codon at amino acid 222. This variant is expected to result in nonsense mediated decay, truncation, or a dysfunctional protein product. This variant is rare in the general population with a frequency below the threshold expected for the associated phenotype(s). Given the available evidence, this variant is classified as Likely Pathogenic.

Fulgent Genetics
Classification: Likely pathogenic for Fatal mitochondrial disease due to combined oxidative phosphorylation defect type 3. Last evaluated: 2024-01-03. Review status: criteria provided, single submitter. Criteria: ACMG Guidelines, 2015. Collection method: clinical testing. Allele origin: germline.

Revvity Omics, Revvity
Classification: Likely pathogenic for Fatal mitochondrial disease due to combined oxidative phosphorylation defect type 3. Last evaluated: 2023-12-29. Review status: criteria provided, single submitter. Criteria: ACMG Guidelines, 2015. Collection method: clinical testing. Allele origin: germline.